The following is an entry in ClinVar:

NM_001267550.2(TTN):c.103560del (p.Glu34522fs)

Genes: TTN-AS1 (TTN antisense RNA 1; plus strand), TTN (titin; minus strand). Cytogenetic location: 2q31.2.
Variant type: Deletion.
Coding change: c.103560del on transcript NM_001267550.2 (MANE Select); coding-DNA position 103560, one base deleted (A; older notation c.103560delA).
Protein change: p.Glu34522fs; shifts the reading frame from glutamic acid 34522.
Molecular consequence: frameshift variant.
Genome position (GRCh38, 1-based): chr2:178,533,055, T deleted on the plus strand (A on the coding strand, the reverse complement: TTN is on the minus strand); the first of 4 consecutive T bases (chr2:178,533,055-178,533,058); deleting any one gives the same sequence. VCF-style (leftmost placement, unchanged base first): chr2-178533054-CT-C. GRCh37 (hg19) VCF-style: chr2-179397781-CT-C.
Other names: c.98637del, p.Glu32881fs (NM_001256850.1); c.76365del, p.Glu25457fs (NM_003319.4); c.95856del, p.Glu31954fs (NM_133378.4); c.76740del, p.Glu25582fs (NM_133432.3); c.76941del, p.Glu25649fs (NM_133437.4); short protein forms E25457fs, E25582fs, E25649fs, E31954fs, E32881fs, E34522fs.
Identifiers: ClinVar variation 3754495 (VCV003754495.2).
Genomic context (GRCh38, chr2:178,533,054, plus strand): 5'-CATAAGGCATCCGGAGTTTTCTCTCCTCCTTCTTTTCTTCTATCTCAAGTCTGAATTCCC[CT>C]TTTACAGTCTTGGTGCTTACAGCCGGTTTATAAAGGACAGCAGCTTCTCTCAGAGCCTCT-3'

ClinVar aggregate classification (germline): Likely pathogenic (1 of 4 stars; one submission).

Conditions:
Autosomal recessive limb-girdle muscular dystrophy type 2J (LGMDR10). Also called: Limb-girdle muscular dystrophy, type 2J; MUSCULAR DYSTROPHY, LIMB-GIRDLE, AUTOSOMAL RECESSIVE 10. Identifiers: Orphanet 140922, MedGen C1837342, MONDO:0012127, OMIM 608807.
Dilated cardiomyopathy 1G (CMD1G). Identifiers: Orphanet 154, MedGen C1858763, MONDO:0011400, OMIM 604145.

Submission:

Labcorp Genetics (formerly Invitae), Labcorp
Classification: Likely pathogenic for Dilated cardiomyopathy 1G; Autosomal recessive limb-girdle muscular dystrophy type 2J. Last evaluated: 2024-02-08. Review status: criteria provided, single submitter. Criteria: Invitae Variant Classification Sherloc (09022015). Collection method: clinical testing. Allele origin: germline.
Comment: This sequence change creates a premature translational stop signal (p.Glu34522Asnfs*6) in the TTN gene. While this is not anticipated to result in nonsense mediated decay, it is expected to create a truncated TTN protein. This variant is not present in population databases (gnomAD no frequency). This variant has not been reported in the literature in individuals affected with TTN-related conditions. This variant is located in the M band of TTN (PMID: 25589632). Truncating variants in this region have been previously reported in individuals affected with autosomal recessive myopathy and muscular dystrophy (PMID: 18948003, 23975875, 24395473). Truncating variants in this region have also been identified in individuals affected with autosomal dominant dilated cardiomyopathy and/or cardio-related conditions (PMID: 27869827, 32964742, Invitae internal data). In summary, the currently available evidence indicates that the variant is pathogenic, but additional data are needed to prove that conclusively. Therefore, this variant has been classified as Likely Pathogenic.

Literature cited by the submitters: PubMed 25589632; PubMed 18948003; PubMed 23975875; PubMed 24395473; PubMed 27869827; PubMed 32964742.